The following is an entry in ClinVar:

NM_000214.3(JAG1):c.1396-10C>T

Gene: JAG1 (jagged canonical Notch ligand 1; minus strand). Cytogenetic location: 20p12.2.
Variant type: single nucleotide variant.
Coding change: c.1396-10C>T on transcript NM_000214.3 (MANE Select); 10 bases into the intron before coding-DNA position 1396, C replaced by T.
Molecular consequence: intron variant.
Genome position (GRCh38, 1-based): chr20:10,648,732, G>A on the plus strand (C>T on the coding strand, the complement: JAG1 is on the minus strand). VCF-style: chr20-10648732-G-A. GRCh37 (hg19) VCF-style: chr20-10629380-G-A.
Other names: c.1396-10C>T (NM_000214.2).
Identifiers: ClinVar variation 1106988 (VCV001106988.10), dbSNP rs2122609048, ClinGen allele CA2499225672.

ClinVar aggregate classification (germline): Likely benign. Review status: criteria provided, multiple submitters, no conflicts (2 of 4 stars). 2 submissions from 2 submitters: Likely benign (2). Last evaluated 2026-03-23.

Conditions:
JAG1-related disorder. Also called: JAG1-related disorders; JAG1-related condition.
Alagille syndrome due to a JAG1 point mutation. Also called: JAG1-Related Alagille Syndrome; Alagille Syndrome 1; HEPATIC DUCTULAR HYPOPLASIA, SYNDROMATIC. Identifiers: Orphanet 261619, Orphanet 52, MedGen C1956125, MONDO:0016862, OMIM 118450.

Allele frequency attached by ClinVar (database versions not stated): gnomAD exomes below 0.00001.
gnomAD v4.1: 6 of 1,613,428 alleles (0.00037%); highest among the groups gnomAD compares: South Asian, 0.0011%; no homozygotes.

Submissions (2):

PreventionGenetics, part of Exact Sciences
Classification: Likely benign for JAG1-related condition. Last evaluated: 2026-03-23. Review status: criteria provided, single submitter. Criteria: ACMG Guidelines, 2015. Collection method: clinical testing. Allele origin: germline.
Comment: This variant is classified as likely benign based on ACMG/AMP sequence variant interpretation guidelines (Richards et al. 2015 PMID: 25741868, with internal and published modifications).

Labcorp Genetics (formerly Invitae), Labcorp
Classification: Likely benign for Alagille syndrome due to a JAG1 point mutation. Last evaluated: 2024-10-08. Review status: criteria provided, single submitter. Criteria: Invitae Variant Classification Sherloc (09022015). Collection method: clinical testing. Allele origin: germline.